The following is an entry in ClinVar:

NM_000722.4(CACNA2D1):c.3253G>A (p.Gly1085Ser)

Gene: CACNA2D1 (calcium voltage-gated channel auxiliary subunit alpha2delta 1; minus strand). Cytogenetic location: 7q21.11.
Variant type: single nucleotide variant.
Coding change: c.3253G>A on transcript NM_000722.4 (MANE Select); coding-DNA position 3253, G replaced by A.
Protein change: p.Gly1085Ser; replaces glycine 1085 with serine.
Molecular consequence: missense variant.
Genome position (GRCh38, 1-based): chr7:81,950,415, C>T on the plus strand (G>A on the coding strand, the complement: CACNA2D1 is on the minus strand). VCF-style: chr7-81950415-C-T. GRCh37 (hg19) VCF-style: chr7-81579731-C-T.
Other names: c.3289G>A, p.Gly1097Ser (NM_001366867.1); short protein forms G1085S, G1097S.
Identifiers: ClinVar variation 2585876 (VCV002585876.2), dbSNP rs2484190882, ClinGen allele CA367880252.

ClinVar aggregate classification (germline): Uncertain significance (1 of 4 stars; one submission).

Conditions:
Cardiovascular phenotype. Identifiers: MedGen CN230736.

Allele frequency attached by ClinVar (database versions not stated): gnomAD exomes below 0.00001.
gnomAD v4.1: 1 of 1,612,960 alleles (0.000062%); highest among the groups gnomAD compares: Non-Finnish European, 0.000085%; no homozygotes.

Submission:

Ambry Genetics
Classification: Uncertain significance for Cardiovascular phenotype. Last evaluated: 2023-09-06. Review status: criteria provided, single submitter. Criteria: Ambry Variant Classification Scheme 2023. Collection method: clinical testing. Allele origin: germline.
Comment: The p.G1085S variant (also known as c.3253G>A), located in coding exon 39 of the CACNA2D1 gene, results from a G to A substitution at nucleotide position 3253. The glycine at codon 1085 is replaced by serine, an amino acid with similar properties. This amino acid position is conserved. In addition, this alteration is predicted to be tolerated by in silico analysis. Since supporting evidence is limited at this time, the clinical significance of this alteration remains unclear.